The following is an entry in ClinVar:

ClinVar aggregate classification (germline): Uncertain significance (1 of 4 stars; one submission).

Conditions:
Cardiovascular phenotype. Identifiers: MedGen CN230736.
Hereditary cancer-predisposing syndrome. Also called: Neoplastic Syndromes, Hereditary; Tumor predisposition; Hereditary neoplastic syndrome; Hereditary Cancer Syndrome. Identifiers: Orphanet 140162, MedGen C0027672, MeSH D009386, MONDO:0015356.

Submission:

Ambry Genetics
Classification: Uncertain significance for Cardiovascular phenotype; Hereditary cancer-predisposing syndrome. Last evaluated: 2026-07-06. Review status: criteria provided, single submitter. Criteria: Ambry Variant Classification Scheme 2023. Collection method: clinical testing. Allele origin: germline.
Comment: The p.T2201P variant (also known as c.6601A>C), located in coding exon 43 of the NF1 gene, results from an A to C substitution at nucleotide position 6601. The threonine at codon 2201 is replaced by proline, an amino acid with highly similar properties. This amino acid position is well conserved in available vertebrate species. In addition, this alteration is predicted to be tolerated by in silico analysis. Based on the available evidence, the clinical significance of this variant remains unclear.

NM_001042492.3(NF1):c.6664A>C (p.Thr2222Pro)

Gene: NF1 (neurofibromin 1; plus strand). Cytogenetic location: 17q11.2.
Variant type: single nucleotide variant.
Coding change: c.6664A>C on transcript NM_001042492.3 (MANE Select); coding-DNA position 6664, A replaced by C.
Protein change: p.Thr2222Pro; replaces threonine 2222 with proline.
Molecular consequence: missense variant.
Genome position (GRCh38, 1-based): chr17:31,337,840, A>C. VCF-style: chr17-31337840-A-C. GRCh37 (hg19) VCF-style: chr17-29664858-A-C.
Other names: c.6601A>C, p.Thr2201Pro (NM_000267.4); short protein forms T2201P, T2222P.
Identifiers: ClinVar variation 5025508 (VCV005025508.1).